The following is an entry in ClinVar:

NM_002661.5(PLCG2):c.1558-7G>A

Gene: PLCG2 (phospholipase C gamma 2; plus strand). Cytogenetic location: 16q23.3.
Variant type: single nucleotide variant.
Coding change: c.1558-7G>A on transcript NM_002661.5 (MANE Select); 7 bases into the intron before coding-DNA position 1558, G replaced by A.
Molecular consequence: intron variant.
Genome position (GRCh38, 1-based): chr16:81,908,409, G>A. VCF-style: chr16-81908409-G-A. GRCh37 (hg19) VCF-style: chr16-81942014-G-A.
Identifiers: ClinVar variation 2982739 (VCV002982739.3), dbSNP rs1909471696, ClinGen allele CA2237365698.

ClinVar aggregate classification (germline): Uncertain significance (1 of 4 stars; one submission).

Conditions:
Familial cold autoinflammatory syndrome 3 (FCAS3). Also called: FAMILIAL ATYPICAL COLD URTICARIA; ANTIBODY DEFICIENCY AND IMMUNE DYSREGULATION, PLCG2-ASSOCIATED. Identifiers: Orphanet 300359, MedGen C3280914, MONDO:0013766, OMIM 614468.

Allele frequency attached by ClinVar (database versions not stated): TOPMed below 0.00001.
gnomAD v4.1: 1 of 1,612,300 alleles (0.000062%); highest among the groups gnomAD compares: Non-Finnish European, 0.000085%; no homozygotes.

Submission:

Labcorp Genetics (formerly Invitae), Labcorp
Classification: Uncertain significance for Familial cold autoinflammatory syndrome 3. Last evaluated: 2023-07-20. Review status: criteria provided, single submitter. Criteria: Invitae Variant Classification Sherloc (09022015). Collection method: clinical testing. Allele origin: germline.
Comment: In summary, the available evidence is currently insufficient to determine the role of this variant in disease. Therefore, it has been classified as a Variant of Uncertain Significance. Algorithms developed to predict the effect of sequence changes on RNA splicing suggest that this variant may disrupt the consensus splice site. This variant has not been reported in the literature in individuals affected with PLCG2-related conditions. This variant is not present in population databases (gnomAD no frequency). This sequence change falls in intron 16 of the PLCG2 gene. It does not directly change the encoded amino acid sequence of the PLCG2 protein.